The following is an entry in ClinVar:

ClinVar aggregate classification (germline): Pathogenic (1 of 4 stars; one submission).

Conditions:
CFTR-related disorder (CFTR-RD). Also called: CFTR-related disorders; CFTR-related condition. Identifiers: MedGen C5924204, MONDO:7770004.

Submission:

Natera, Inc.
Classification: Pathogenic for CFTR-related disorders. Last evaluated: 2025-07-14. Review status: criteria provided, single submitter. Criteria: Natera Variant Classification Schema (03/2026). Collection method: clinical testing. Allele origin: germline.
Comment: The c.1439delG variant in CFTR is a frameshift variant predicted to shift the reading frame beginning at codon 480 and leads to a stop codon 47 codons downstream. This variant is expected to result in nonsense mediated decay, truncation, or a dysfunctional protein product. This variant is rare in the general population with a frequency below the threshold expected for the associated phenotype(s). This variant has been observed in one or more individuals affected with the associated recessive disease, as either homozygous or compound heterozygous with a second variant (PMID: 12121192). Given the available evidence, this variant is classified as Pathogenic.

Literature cited by the submitters: PubMed 12121192.

NM_000492.4(CFTR):c.1439del (p.Gly480fs)

Genes: CFTR (CF transmembrane conductance regulator; plus strand), CFTR-AS1 (CFTR antisense RNA 1; minus strand). Cytogenetic location: 7q31.2.
Variant type: Deletion.
Coding change: c.1439del on transcript NM_000492.4 (MANE Select); coding-DNA position 1439, one base deleted (G; older notation c.1439delG).
Protein change: p.Gly480fs; shifts the reading frame from glycine 480.
Molecular consequence: frameshift variant.
Genome position (GRCh38, 1-based): chr7:117,559,510, G deleted; the last of 3 consecutive G bases (chr7:117,559,508-117,559,510); deleting any one gives the same sequence. VCF-style (leftmost placement, unchanged base first): chr7-117559507-AG-A. GRCh37 (hg19) VCF-style: chr7-117199561-AG-A.
Other names: short protein forms G480fs.
Identifiers: ClinVar variation 4818474 (VCV004818474.1).